The following is an entry in ClinVar:

NM_006618.5(KDM5B):c.1835G>A (p.Arg612Gln)

Gene: KDM5B (lysine demethylase 5B; minus strand). Cytogenetic location: 1q32.1.
Variant type: single nucleotide variant.
Coding change: c.1835G>A on transcript NM_006618.5 (MANE Select); coding-DNA position 1835, G replaced by A.
Protein change: p.Arg612Gln; replaces arginine 612 with glutamine.
Molecular consequence: missense variant.
Genome position (GRCh38, 1-based): chr1:202,749,126, C>T on the plus strand (G>A on the coding strand, the complement: KDM5B is on the minus strand). VCF-style: chr1-202749126-C-T. GRCh37 (hg19) VCF-style: chr1-202718254-C-T.
Other names: c.1943G>A, p.Arg648Gln (NM_001314042.2); c.1700G>A, p.Arg567Gln (NM_001347591.2); c.1820G>A, p.Arg607Gln (NM_001399817.1); short protein forms R567Q, R612Q, R648Q, R607Q.
Identifiers: ClinVar variation 1303469 (VCV001303469.4), dbSNP rs758997313, ClinGen allele CA1334600.
Genomic context (GRCh38, chr1:202,749,126, plus strand): 5'-ATCTCATCGTGGGAAAACACACAATATCGATGAAGCAAGCGATAATGCTCCACACACTGT[C>T]GGCCTAATGGCAGCTGTATCAAAACACGGAAAGAAAAAAATAACATTCATCTTTCTTCTA-3'
Protein context (NP_006609.3, residues 602-622): FCTVDWLPLG[Arg612Gln]QCVEHYRLLH

ClinVar aggregate classification (germline): Uncertain significance (1 of 4 stars; one submission).

Allele frequency attached by ClinVar (database versions not stated): gnomAD 0.00001; ExAC 0.00001; gnomAD exomes 0.00001.
gnomAD v4.1: 8 of 1,605,310 alleles (0.0005%); highest among the groups gnomAD compares: Non-Finnish European, 0.00042%; no homozygotes.

Submission:

GeneDx
Classification: Uncertain significance. Last evaluated: 2023-05-11. Review status: criteria provided, single submitter. Criteria: GeneDx Variant Classification Process June 2021. Collection method: clinical testing. Allele origin: germline. Affected: yes.
Comment: Identified as a confirmed de novo variant (as R648Q using alternative nomenclature) in a child with developmental delay, feeding difficulties and abnormal MRI (Martin et al., 2018); In silico analysis, which includes protein predictors and evolutionary conservation, supports a deleterious effect; This variant is associated with the following publications: (PMID: 27694994, 30409806, 31785789)